The following is an entry in ClinVar:

ClinVar aggregate classification (germline): Uncertain significance (1 of 4 stars; one submission).

Conditions:
Familial cold autoinflammatory syndrome 3 (FCAS3). Also called: FAMILIAL ATYPICAL COLD URTICARIA; ANTIBODY DEFICIENCY AND IMMUNE DYSREGULATION, PLCG2-ASSOCIATED. Identifiers: Orphanet 300359, MedGen C3280914, MONDO:0013766, OMIM 614468.

gnomAD v4.1: 4 of 1,613,744 alleles (0.00025%); highest among the groups gnomAD compares: Non-Finnish European, 0.00025%; no homozygotes.

Submission:

Labcorp Genetics (formerly Invitae), Labcorp
Classification: Uncertain significance for Familial cold autoinflammatory syndrome 3. Last evaluated: 2022-07-05. Review status: criteria provided, single submitter. Criteria: Invitae Variant Classification Sherloc (09022015). Collection method: clinical testing. Allele origin: germline.
Comment: ClinVar contains an entry for this variant (Variation ID: 1425897). In summary, the available evidence is currently insufficient to determine the role of this variant in disease. Therefore, it has been classified as a Variant of Uncertain Significance. Algorithms developed to predict the effect of missense changes on protein structure and function (SIFT, PolyPhen-2, Align-GVGD) all suggest that this variant is likely to be tolerated. This variant has not been reported in the literature in individuals affected with PLCG2-related conditions. This variant is not present in population databases (gnomAD no frequency). This sequence change replaces arginine, which is basic and polar, with leucine, which is neutral and non-polar, at codon 1033 of the PLCG2 protein (p.Arg1033Leu).

NM_002661.5(PLCG2):c.3098G>T (p.Arg1033Leu)

Gene: PLCG2 (phospholipase C gamma 2; plus strand). Cytogenetic location: 16q23.3.
Variant type: single nucleotide variant.
Coding change: c.3098G>T on transcript NM_002661.5 (MANE Select); coding-DNA position 3098, G replaced by T.
Protein change: p.Arg1033Leu; replaces arginine 1033 with leucine.
Molecular consequence: missense variant.
Genome position (GRCh38, 1-based): chr16:81,937,803, G>T. VCF-style: chr16-81937803-G-T. GRCh37 (hg19) VCF-style: chr16-81971408-G-T.
Other names: short protein forms R1033L.
Identifiers: ClinVar variation 1425897 (VCV001425897.6), dbSNP rs760293225, ClinGen allele CA396906714.